The following is an entry in ClinVar:

NM_182700.6(SP8):c.282C>G (p.Ala94=)

Gene: SP8 (Sp8 transcription factor; minus strand). Cytogenetic location: 7p21.1.
Variant type: single nucleotide variant.
Coding change: c.282C>G on transcript NM_182700.6 (MANE Select); coding-DNA position 282, C replaced by G.
Protein change: p.Ala94=; no amino-acid change (alanine 94 retained).
Molecular consequence: synonymous variant.
Genome position (GRCh38, 1-based): chr7:20,785,535, G>C on the plus strand (C>G on the coding strand, the complement: SP8 is on the minus strand). VCF-style: chr7-20785535-G-C. GRCh37 (hg19) VCF-style: chr7-20825154-G-C.
Other names: c.228C>G, p.Ala76= (NM_198956.4).
Identifiers: ClinVar variation 2657339 (VCV002657339.24), dbSNP rs9771343, ClinGen allele CA454137789.

ClinVar aggregate classification (germline): Likely benign (1 of 4 stars; one submission).

Submission:

CeGaT Center for Human Genetics Tuebingen
Classification: Likely benign. Last evaluated: 2022-11-01. Review status: criteria provided, single submitter. Criteria: CeGaT Center For Human Genetics Tuebingen Variant Classification Criteria Version 2. Collection method: clinical testing. Allele origin: germline. Affected: yes. Observed: 1 variant allele.
Comment: SP8: BP4, BP7